The following is an entry in ClinVar:

ClinVar aggregate classification (germline): Pathogenic. Review status: criteria provided, multiple submitters, no conflicts (2 of 4 stars). 2 submissions from 2 submitters: Pathogenic (2). Last evaluated 2026-04-14.

Conditions:
Familial intrahepatic cholestasis. Identifiers: Orphanet 284385, MedGen CN296401, MONDO:0017290.
Progressive familial intrahepatic cholestasis type 2. Identifiers: Orphanet 79304, MedGen C3489789, MONDO:0011156, OMIM 601847.

Submissions (2):

Genomenon, Inc
Classification: Pathogenic for Familial intrahepatic cholestasis. Last evaluated: 2026-04-14. Review status: criteria provided, single submitter. Criteria: Genomenon Sequence Variant Interpretation Standards - Updated. Collection method: curation. Allele origin: germline. Affected: yes.
Comment: ABCB11 p.Met1171TyrfsTer29 (c.3510_3511insT) is a frameshift variant that results in the production of a truncated protein which is predicted to undergo nonsense-mediated mRNA decay. This variant has been observed in at least one proband with an ABCB11-related disorder (PMID:37697751). It is absent or not present at a significant frequency in gnomAD. In conclusion, we classify ABCB11 p.Met1171TyrfsTer29 (c.3510_3511insT) as a pathogenic variant.

Rolfs Rare Disease Consulting, Rolfs Consulting Und Verwaltungs GmbH
Classification: Pathogenic for Progressive familial intrahepatic cholestasis type 2. Last evaluated: 2019-01-01. Review status: criteria provided, single submitter. Criteria: ACMG Guidelines, 2015. Collection method: clinical testing. Allele origin: germline. Affected: yes.

Literature cited by the submitters: PubMed 37697751 (cited by Genomenon, Inc).

NM_003742.4(ABCB11):c.3510_3511insT (p.Met1171fs)

Gene: ABCB11 (ATP binding cassette subfamily B member 11; minus strand). Cytogenetic location: 2q31.1.
Variant type: Insertion.
Coding change: c.3510_3511insT on transcript NM_003742.4 (MANE Select); coding-DNA positions 3510 to 3511, T inserted.
Protein change: p.Met1171fs; shifts the reading frame from methionine 1171.
Molecular consequence: frameshift variant.
Genome position: GRCh38 VCF-style: chr2-168927263-T-TA. GRCh37 (hg19) VCF-style: chr2-169783773-T-TA.
Other names: short protein forms M1171fs.
Identifiers: ClinVar variation 2687805 (VCV002687805.2), dbSNP rs2545237313, ClinGen allele CA2697551249.
Genomic context (GRCh38, chr2:168,927,263, plus strand): 5'-CTGCTATGACTCTTTCCATGGGAATTTCTTTGGTGTTGTCTCCATACTTGATATTGTCCA[T>TA]TATGCTACAGGCAAACAACACTGGTTCCTGGGAAACAATTCCAATGTTTGAGCGGAGGAA-3'